The following is an entry in ClinVar:

ClinVar aggregate classification (germline): Uncertain significance (1 of 4 stars; one submission).

Allele frequency attached by ClinVar (database versions not stated): gnomAD exomes 0.00023; 1000 Genomes Project 0.00060; 1000 Genomes Project 30x 0.00047.
gnomAD v4.1: 351 of 1,614,172 alleles (0.022%); highest among the groups gnomAD compares: East Asian, 0.76%; 5 homozygotes.

Submission:

Labcorp Genetics (formerly Invitae), Labcorp
Classification: Uncertain significance. Last evaluated: 2024-02-12. Review status: criteria provided, single submitter. Criteria: Invitae Variant Classification Sherloc (09022015). Collection method: clinical testing. Allele origin: germline.
Comment: This sequence change replaces methionine, which is neutral and non-polar, with valine, which is neutral and non-polar, at codon 108 of the NUP62 protein (p.Met108Val). This variant is present in population databases (rs201568105, gnomAD 0.1%), and has an allele count higher than expected for a pathogenic variant. This variant has not been reported in the literature in individuals affected with NUP62-related conditions. ClinVar contains an entry for this variant (Variation ID: 1414291). An algorithm developed to predict the effect of missense changes on protein structure and function (PolyPhen-2) suggests that this variant is likely to be tolerated. In summary, the available evidence is currently insufficient to determine the role of this variant in disease. Therefore, it has been classified as a Variant of Uncertain Significance.

NM_016553.5(NUP62):c.322A>G (p.Met108Val)

Genes: IL4I1 (interleukin 4 induced 1; minus strand), NUP62 (nucleoporin 62; minus strand). Cytogenetic location: 19q13.33.
Variant type: single nucleotide variant.
Coding change: c.322A>G on transcript NM_016553.5 (MANE Select); coding-DNA position 322, A replaced by G.
Protein change: p.Met108Val; replaces methionine 108 with valine.
Molecular consequence: missense variant. On other transcripts: intron variant (3).
Genome position (GRCh38, 1-based): chr19:49,909,486, T>C on the plus strand (A>G on the coding strand, the complement: NUP62 is on the minus strand). VCF-style: chr19-49909486-T-C. GRCh37 (hg19) VCF-style: chr19-50412743-T-C.
Other names: c.322A>G, p.Met108Val (NM_001193357.2, NM_012346.5, NM_153718.4 and 1 more transcripts); c.-227-5165A>G (NM_001258017.2, NM_172374.3); c.-285-5165A>G (NM_001258018.2); short protein forms M108V.
Identifiers: ClinVar variation 1414291 (VCV001414291.6), dbSNP rs201568105, ClinGen allele CA9589160.
Genomic context (GRCh38, chr19:49,909,486, plus strand): 5'-TGCTCGATATGGCATTAGTGAGGTTGCTGCTGCCCAGCCCAAAGCCGCTGGGGTTTGCCA[T>C]GGCTGGGGTGGCAGCTGTGTTGCTCAAGTTGAGCTTTGAAGCACCGATCCCCAAAGAAAA-3'
Protein context (NP_057637.2, residues 98-118): NLSNTAATPA[Met108Val]ANPSGFGLGS